The following is an entry in ClinVar:

NM_000180.4(GUCY2D):c.1343C>T (p.Ser448Leu)

Gene: GUCY2D (guanylate cyclase 2D, retinal; plus strand). Cytogenetic location: 17p13.1.
Variant type: single nucleotide variant.
Coding change: c.1343C>T on transcript NM_000180.4 (MANE Select); coding-DNA position 1343, C replaced by T.
Protein change: p.Ser448Leu; replaces serine 448 with leucine.
Molecular consequence: missense variant.
Genome position (GRCh38, 1-based): chr17:8,006,679, C>T. VCF-style: chr17-8006679-C-T. GRCh37 (hg19) VCF-style: chr17-7909997-C-T.
Other names: short protein forms S448L.
Identifiers: ClinVar variation 1014667 (VCV001014667.8), dbSNP rs61749679, ClinGen allele CA8365715.

ClinVar aggregate classification (germline): Uncertain significance (1 of 4 stars; one submission).

Conditions:
Leber congenital amaurosis 1 (LCA1). Also called: AMAUROSIS CONGENITA OF LEBER I; Leber's congenital tapetoretinal dysplasia; RETINAL BLINDNESS, CONGENITAL; Congenital absence of the rods and cones; Leber's congenital tapetoretinal degeneration. Identifiers: Orphanet 65, MedGen C2931258, MONDO:0008764, OMIM 204000.
Cone-rod dystrophy 6 (CORD6). Also called: Cone dystrophy progressive; RETINAL CONE DYSTROPHY 2. Identifiers: Orphanet 1872, MedGen C1866293, MONDO:0011143, OMIM 601777.

Allele frequency attached by ClinVar (database versions not stated): TOPMed 0.00003.
gnomAD v4.1: 41 of 1,610,586 alleles (0.0025%); highest among the groups gnomAD compares: African/African-American, 0.004%; no homozygotes.

Submission:

Labcorp Genetics (formerly Invitae), Labcorp
Classification: Uncertain significance for Leber congenital amaurosis 1; Cone-rod dystrophy 6. Last evaluated: 2024-09-27. Review status: criteria provided, single submitter. Criteria: Invitae Variant Classification Sherloc (09022015). Collection method: clinical testing. Allele origin: germline.
Comment: This sequence change replaces serine, which is neutral and polar, with leucine, which is neutral and non-polar, at codon 448 of the GUCY2D protein (p.Ser448Leu). This variant is present in population databases (rs61749679, gnomAD 0.004%). This missense change has been observed in individual(s) with inherited retinal dystophy (internal data). ClinVar contains an entry for this variant (Variation ID: 1014667). Invitae Evidence Modeling of protein sequence and biophysical properties (such as structural, functional, and spatial information, amino acid conservation, physicochemical variation, residue mobility, and thermodynamic stability) indicates that this missense variant is not expected to disrupt GUCY2D protein function with a negative predictive value of 80%. In summary, the available evidence is currently insufficient to determine the role of this variant in disease. Therefore, it has been classified as a Variant of Uncertain Significance.